The following is an entry in ClinVar:

ClinVar aggregate classification (germline): Uncertain significance (1 of 4 stars; one submission).

Allele frequency attached by ClinVar (database versions not stated): gnomAD exomes below 0.00001.
gnomAD v4.1: 7 of 1,607,140 alleles (0.00044%); highest among the groups gnomAD compares: Non-Finnish European, 0.00042%; no homozygotes.

Submission:

Labcorp Genetics (formerly Invitae), Labcorp
Classification: Uncertain significance. Last evaluated: 2021-12-24. Review status: criteria provided, single submitter. Criteria: Invitae Variant Classification Sherloc (09022015). Collection method: clinical testing. Allele origin: germline.
Comment: Algorithms developed to predict the effect of missense changes on protein structure and function are either unavailable or do not agree on the potential impact of this missense change (SIFT: "Tolerated"; PolyPhen-2: "Not Available"; Align-GVGD: "Class C0"). This sequence change replaces leucine, which is neutral and non-polar, with phenylalanine, which is neutral and non-polar, at codon 5 of the ROM1 protein (p.Leu5Phe). This variant is not present in population databases (gnomAD no frequency). This variant has not been reported in the literature in individuals affected with ROM1-related conditions. In summary, the available evidence is currently insufficient to determine the role of this variant in disease. Therefore, it has been classified as a Variant of Uncertain Significance.

NM_000327.4(ROM1):c.15G>T (p.Leu5Phe)

Gene: ROM1 (retinal outer segment membrane protein 1; plus strand). Cytogenetic location: 11q12.3.
Variant type: single nucleotide variant.
Coding change: c.15G>T on transcript NM_000327.4 (MANE Select); coding-DNA position 15, G replaced by T.
Protein change: p.Leu5Phe; replaces leucine 5 with phenylalanine.
Molecular consequence: missense variant.
Genome position (GRCh38, 1-based): chr11:62,613,296, G>T. VCF-style: chr11-62613296-G-T. GRCh37 (hg19) VCF-style: chr11-62380768-G-T.
Other names: short protein forms L5F.
Identifiers: ClinVar variation 2058925 (VCV002058925.4), dbSNP rs1942930057, ClinGen allele CA380967906.